The following is an entry in ClinVar:

ClinVar aggregate classification (germline): Pathogenic (1 of 4 stars; one submission).

Conditions:
Neurofibromatosis, type 1 (NF1). Also called: NEUROFIBROMATOSIS, TYPE I, SOMATIC; VON RECKLINGHAUSEN DISEASE; Peripheral type neurofibromatosis; Neurofibromatosis, type I. Identifiers: Orphanet 636, MedGen C0027831, MONDO:0018975, OMIM 162200. Disease mechanism: loss of function.

Submission:

Labcorp Genetics (formerly Invitae), Labcorp
Classification: Pathogenic for Neurofibromatosis, type 1. Last evaluated: 2025-07-08. Review status: criteria provided, single submitter. Criteria: Invitae Variant Classification Sherloc (09022015). Collection method: clinical testing. Allele origin: germline.
Comment: This sequence change creates a premature translational stop signal (p.Gln1754Glyfs*6) in the NF1 gene. It is expected to result in an absent or disrupted protein product. Loss-of-function variants in NF1 are known to be pathogenic (PMID: 10712197, 23913538). This variant is not present in population databases (gnomAD no frequency). This variant has not been reported in the literature in individuals affected with NF1-related conditions. For these reasons, this variant has been classified as Pathogenic.

Literature cited by the submitters: PubMed 10712197; PubMed 23913538.

NM_001042492.3(NF1):c.5321_5322dup (p.Gln1775fs)

Gene: NF1 (neurofibromin 1; plus strand). Cytogenetic location: 17q11.2.
Variant type: Duplication.
Coding change: c.5321_5322dup on transcript NM_001042492.3 (MANE Select); coding-DNA positions 5321 to 5322, 2 bases duplicated (GG; older notation c.5321_5322dupGG).
Protein change: p.Gln1775fs; shifts the reading frame from glutamine 1775.
Molecular consequence: frameshift variant.
Genome position (GRCh38, 1-based): chr17:31,327,551-31,327,552, GG duplicated; duplicating any 2 consecutive bases within chr17:31,327,550-31,327,552 gives the same sequence; the c. name uses the placement nearest the transcript's 3' end. VCF-style (leftmost placement, unchanged base first): chr17-31327549-A-AGG. GRCh37 (hg19) VCF-style: chr17-29654567-A-AGG.
Other names: c.5258_5259dup, p.Gln1754fs (NM_000267.4); short protein forms Q1754fs, Q1775fs.
Identifiers: ClinVar variation 4722838 (VCV004722838.1).
Genomic context (GRCh38, chr17:31,327,549, plus strand): 5'-CACTTTCCAGGTTGGTTCTACTGCTGTCCAAGTAACTTCAGCAGAGCGAACAAAAGTCCT[A>AGG]GGGCAATCAGTCTTTCTAAATGACATTTATTATGCTTCGGAAATTGAAGAAATCTGCCTA-3'